The following is an entry in ClinVar:

ClinVar aggregate classification (germline): Pathogenic (1 of 4 stars; one submission).

Submission:

GeneDx
Classification: Pathogenic. Last evaluated: 2015-08-18. Review status: criteria provided, single submitter. Criteria: GeneDx Variant Classification (06012015). Collection method: clinical testing. Allele origin: germline. Affected: yes.
Comment: The c.286dupC variant in the KCNQ2 gene causes a frameshift starting with codon Histidine 96, changes this amino acid to a Proline residue and creates a premature Stop codon at position 24 of the new reading frame, denoted p.H96PfsX24. This duplication is predicted to cause loss of normal protein function either through protein truncation or nonsense-mediated mRNA decay. It was not observed in approximately 6,300 individuals of European and African American ancestry in the NHLBI Exome Sequencing Project, indicating it is not a common benign variant in these populations. Although this variant has not been previously reported to our knowledge, we consider it to be pathogenic.

NM_172107.4(KCNQ2):c.286dup (p.His96fs)

Gene: KCNQ2 (potassium voltage-gated channel subfamily Q member 2; minus strand). Cytogenetic location: 20q13.33.
Variant type: Duplication.
Coding change: c.286dup on transcript NM_172107.4 (MANE Select); coding-DNA position 286, one base duplicated (C; older notation c.286dupC).
Protein change: p.His96fs; shifts the reading frame from histidine 96.
Molecular consequence: frameshift variant.
Genome position (GRCh38, 1-based): chr20:63,472,178, G duplicated on the plus strand (C on the coding strand, the reverse complement: KCNQ2 is on the minus strand); the first of 2 consecutive G bases (chr20:63,472,178-63,472,179); duplicating either gives the same sequence. VCF-style (leftmost placement, unchanged base first): chr20-63472177-T-TG. GRCh37 (hg19) VCF-style: chr20-62103530-T-TG.
Other names: c.286dup, p.His96fs (NM_004518.6, NM_172106.3, NM_172108.5 and 1 more transcripts); short protein forms H96fs.
Identifiers: ClinVar variation 427025 (VCV000427025.2), dbSNP rs1085307905, ClinGen allele CA645294123.